The following is an entry in ClinVar:

ClinVar aggregate classification (germline): Uncertain significance. Review status: criteria provided, single submitter (1 of 4 stars). 2 submissions from 2 submitters: Uncertain significance (1). 1 of the submissions does not count toward it. Last evaluated 2017-11-24.

Conditions:
Alzheimer disease 3 (AD3). Also called: ALZHEIMER DISEASE, FAMILIAL, 3. Identifiers: Orphanet 1020, MedGen C1843013, MONDO:0011913, OMIM 607822.
Acne inversa, familial, 3 (ACNINV3). Identifiers: MedGen C3151038, MONDO:0013398, OMIM 613737.
Frontotemporal dementia (FTD1). Also called: Frontotemporal Dementia with Parkinsonism-17 (FTDP-17); FRONTOTEMPORAL DEMENTIA WITH PARKINSONISM; FRONTOTEMPORAL LOBE DEMENTIA; MULTIPLE SYSTEM TAUOPATHY WITH PRESENILE DEMENTIA; Dementia, frontotemporal, with or without parkinsonism; WILHELMSEN-LYNCH DISEASE. Identifiers: Orphanet 282, MedGen C0338451, MONDO:0017276, OMIM 600274, HP:0002145.
Pick disease. Also called: PICK DISEASE OF BRAIN; DEMENTIA WITH LOBAR ATROPHY AND NEURONAL CYTOPLASMIC INCLUSIONS; LOBAR ATROPHY OF BRAIN; Pick's disease; Pick Disease of the Brain. Identifiers: Orphanet 282, MedGen C0236642, MONDO:0008243, OMIM 172700.

Submissions (2):

Labcorp Genetics (formerly Invitae), Labcorp
Classification: Uncertain significance for Alzheimer disease 3; Pick disease; Acne inversa, familial, 3; Frontotemporal dementia. Last evaluated: 2017-11-24. Review status: criteria provided, single submitter. Criteria: Invitae Variant Classification Sherloc (09022015). Collection method: clinical testing. Allele origin: germline.
Comment: This sequence change replaces serine with proline at codon 178 of the PSEN1 protein (p.Ser178Pro). The serine residue is highly conserved and there is a moderate physicochemical difference between serine and proline. This variant is not present in population databases (ExAC no frequency). This variant has been reported in individuals affected with Alzheimer's disease (PMID: 11524469). ClinVar contains an entry for this variant (Variation ID: 98048). Experimental studies have shown that this missense change reduces the secretase activity of the PSEN1 protein and abrogates production of AB42 and AB40 (PMID: 2793034). In summary, the available evidence is currently insufficient to determine the role of this variant in disease. Therefore, it has been classified as a Variant of Uncertain Significance.

VIB  Department of Molecular Genetics, University of Antwerp
No classification provided. Review status: no classification provided. Collection method: not provided. Allele origin: unknown. Not counted in ClinVar's aggregate classification.

Literature cited by the submitters: PubMed 11524469 (cited by Labcorp Genetics (formerly Invitae), Labcorp); PubMed 2793034 (cited by Labcorp Genetics (formerly Invitae), Labcorp).

NM_000021.4(PSEN1):c.532T>C (p.Ser178Pro)

Gene: PSEN1 (presenilin 1; plus strand). Cytogenetic location: 14q24.2.
Variant type: single nucleotide variant.
Coding change: c.532T>C on transcript NM_000021.4 (MANE Select); coding-DNA position 532, T replaced by C.
Protein change: p.Ser178Pro; replaces serine 178 with proline.
Molecular consequence: missense variant.
Genome position (GRCh38, 1-based): chr14:73,186,904, T>C. VCF-style: chr14-73186904-T-C. GRCh37 (hg19) VCF-style: chr14-73653612-T-C.
Other names: c.520T>C, p.Ser174Pro (NM_007318.3); short protein forms S178P, S174P.
Identifiers: ClinVar variation 98048 (VCV000098048.9), dbSNP rs63750155, ClinGen allele CA225059.